The following is an entry in ClinVar:

NM_006904.7(PRKDC):c.12062T>G (p.Leu4021Arg)

Gene: PRKDC (protein kinase, DNA-activated, catalytic subunit; minus strand). Cytogenetic location: 8q11.21.
Variant type: single nucleotide variant.
Coding change: c.12062T>G on transcript NM_006904.7 (MANE Select); coding-DNA position 12062, T replaced by G.
Protein change: p.Leu4021Arg; replaces leucine 4021 with arginine.
Molecular consequence: missense variant.
Genome position (GRCh38, 1-based): chr8:47,776,964, A>C on the plus strand (T>G on the coding strand, the complement: PRKDC is on the minus strand). VCF-style: chr8-47776964-A-C. GRCh37 (hg19) VCF-style: chr8-48689525-A-C.
Other names: c.11969T>G, p.Leu3990Arg (NM_001081640.2); short protein forms L3990R, L4021R.
Identifiers: ClinVar variation 1954639 (VCV001954639.5), dbSNP rs2551859533, ClinGen allele CA371127294.

ClinVar aggregate classification (germline): Uncertain significance (1 of 4 stars; one submission).

Conditions:
Severe combined immunodeficiency due to DNA-PKcs deficiency. Also called: IMMUNODEFICIENCY 26 WITH NEUROLOGIC ABNORMALITIES; Immunodeficiency 26 with or without neurologic abnormalities. Identifiers: Orphanet 317425, MedGen C4014833, MONDO:0014423, OMIM 615966.

Submission:

Labcorp Genetics (formerly Invitae), Labcorp
Classification: Uncertain significance for Severe combined immunodeficiency due to DNA-PKcs deficiency. Last evaluated: 2022-09-02. Review status: criteria provided, single submitter. Criteria: Invitae Variant Classification Sherloc (09022015). Collection method: clinical testing. Allele origin: germline.
Comment: In summary, the available evidence is currently insufficient to determine the role of this variant in disease. Therefore, it has been classified as a Variant of Uncertain Significance. Experimental studies and prediction algorithms are not available or were not evaluated, and the functional significance of this variant is currently unknown. This variant has not been reported in the literature in individuals affected with PRKDC-related conditions. This variant is not present in population databases (gnomAD no frequency). This sequence change replaces leucine, which is neutral and non-polar, with arginine, which is basic and polar, at codon 4021 of the PRKDC protein (p.Leu4021Arg).